The following is an entry in ClinVar:

NM_014141.6(CNTNAP2):c.2857G>C (p.Ala953Pro)

Genes: CNTNAP2 (contactin associated protein 2; plus strand), LOC126860216 (BRD4-independent group 4 enhancer GRCh37_chr7:147868766-147869965; plus strand). Cytogenetic location: 7q35.
Variant type: single nucleotide variant.
Coding change: c.2857G>C on transcript NM_014141.6 (MANE Select); coding-DNA position 2857, G replaced by C.
Protein change: p.Ala953Pro; replaces alanine 953 with proline.
Molecular consequence: missense variant.
Genome position (GRCh38, 1-based): chr7:148,172,325, G>C. VCF-style: chr7-148172325-G-C. GRCh37 (hg19) VCF-style: chr7-147869417-G-C.
Other names: short protein forms A953P.
Identifiers: ClinVar variation 1796899 (VCV001796899.2), dbSNP rs745938929, ClinGen allele CA4546495.

ClinVar aggregate classification (germline): Uncertain significance (1 of 4 stars; one submission).

Conditions:
Inborn genetic diseases. Identifiers: MedGen C0950123, MeSH D030342.

Allele frequency attached by ClinVar (database versions not stated): ExAC 0.00001; TOPMed 0.00001.
gnomAD v4.1: 2 of 1,614,190 alleles (0.00012%); highest among the groups gnomAD compares: Non-Finnish European, 0.00017%; no homozygotes.

Submission:

Ambry Genetics
Classification: Uncertain significance for Inborn genetic diseases. Last evaluated: 2018-05-01. Review status: criteria provided, single submitter. Criteria: Ambry Variant Classification Scheme 2023. Collection method: clinical testing. Allele origin: germline.
Comment: The p.A953P variant (also known as c.2857G>C), located in coding exon 18 of the CNTNAP2 gene, results from a G to C substitution at nucleotide position 2857. The alanine at codon 953 is replaced by proline, an amino acid with highly similar properties. This amino acid position is highly conserved in available vertebrate species. In addition, this alteration is predicted to be deleterious by in silico analysis. Since supporting evidence is limited at this time, the clinical significance of this alteration remains unclear.